The following is an entry in ClinVar:

NM_053025.4(MYLK):c.782T>C (p.Val261Ala)

Gene: MYLK (myosin light chain kinase; minus strand). Cytogenetic location: 3q21.1.
Variant type: single nucleotide variant.
Coding change: c.782T>C on transcript NM_053025.4 (MANE Select); coding-DNA position 782, T replaced by C.
Protein change: p.Val261Ala; replaces valine 261 with alanine.
Molecular consequence: missense variant.
Genome position (GRCh38, 1-based): chr3:123,734,214, A>G on the plus strand (T>C on the coding strand, the complement: MYLK is on the minus strand). VCF-style: chr3-123734214-A-G. GRCh37 (hg19) VCF-style: chr3-123453061-A-G.
Other names: c.254T>C, p.Val85Ala (NM_001321309.2); c.782T>C, p.Val261Ala (NM_053026.4, NM_053027.4, NM_053028.4); short protein forms V261A, V85A.
Identifiers: ClinVar variation 226774 (VCV000226774.44), dbSNP rs3796164, ClinGen allele CA073670.

ClinVar aggregate classification (germline): Benign/Likely benign. Review status: criteria provided, multiple submitters, no conflicts (2 of 4 stars). 15 submissions from 15 submitters: Benign (10); Likely benign (2). 3 of the submissions do not count toward it. Last evaluated 2026-02-04.

Conditions:
Familial thoracic aortic aneurysm and aortic dissection (TAAD). Also called: Thoracic aortic aneurysms and dissections. Identifiers: Orphanet 91387, MedGen C4707243, MONDO:0019625.
Aortic aneurysm, familial thoracic 7 (AAT7). Also called: AORTIC DISSECTION, FAMILIAL, WITH OR WITHOUT AORTIC ANEURYSM. Identifiers: MedGen C3151077, MONDO:0013418, OMIM 613780.

Allele frequency attached by ClinVar (database versions not stated): gnomAD exomes 0.04598 and 0.11618; ExAC 0.11316; gnomAD 0.15515 and 0.15859; ESP Exome Variant Server 0.15631; TOPMed 0.17299; 1000 Genomes Project 30x 0.30153; 1000 Genomes Project 0.30192.

Submissions (15):

Labcorp Genetics (formerly Invitae), Labcorp
Classification: Benign for Aortic aneurysm, familial thoracic 7. Last evaluated: 2026-02-04. Review status: criteria provided, single submitter. Criteria: Invitae Variant Classification Sherloc (09022015). Collection method: clinical testing. Allele origin: germline.

ARUP Laboratories, Molecular Genetics and Genomics, ARUP Laboratories
Classification: Benign. Last evaluated: 2025-07-15. Review status: criteria provided, single submitter. Criteria: ARUP Molecular Germline Variant Investigation Process 2024. Collection method: clinical testing. Allele origin: germline.

Molecular Diagnostic Laboratory for Inherited Cardiovascular Disease, Montreal Heart Institute
Classification: Benign. Last evaluated: 2025-04-09. Review status: criteria provided, single submitter. Criteria: ACMG Guidelines, 2015. Collection method: clinical testing. Allele origin: germline. Affected: no.

Blueprint Genetics
Classification: Benign. Last evaluated: 2024-11-26. Review status: criteria provided, single submitter. Criteria: ACMG Guidelines, 2015. Collection method: clinical testing. Allele origin: germline.

Women's Health and Genetics/Laboratory Corporation of America, LabCorp
Classification: Likely benign. Last evaluated: 2020-08-18. Review status: criteria provided, single submitter. Criteria: LabCorp Variant Classification Summary - May 2015. Collection method: clinical testing. Allele origin: germline.

Illumina Laboratory Services, Illumina
Classification: Benign for Aortic aneurysm, familial thoracic 7. Last evaluated: 2018-01-12. Review status: criteria provided, single submitter. Criteria: ICSL Variant Classification Criteria 13 December 2019. Collection method: clinical testing. Allele origin: germline.
Comment: This variant was observed in the ICSL laboratory as part of a predisposition screen in an ostensibly healthy population. It had not been previously curated by ICSL or reported in the Human Gene Mutation Database (HGMD: prior to June 1st, 2018), and was therefore a candidate for classification through an automated scoring system. Utilizing variant allele frequency, disease prevalence and penetrance estimates, and inheritance mode, an automated score was calculated to assess if this variant is too frequent to cause the disease. Based on the score and internal cut-off values, a variant classified as benign is not then subjected to further curation. The score for this variant resulted in a classification of benign for this disease.

GeneDx
Classification: Benign. Last evaluated: 2016-09-27. Review status: criteria provided, single submitter. Criteria: GeneDx Variant Classification (06012015). Collection method: clinical testing. Allele origin: germline. Affected: yes.
Comment: This variant is considered likely benign or benign based on one or more of the following criteria: it is a conservative change, it occurs at a poorly conserved position in the protein, it is predicted to be benign by multiple in silico algorithms, and/or has population frequency not consistent with disease.

Ambry Genetics
Classification: Benign for Familial thoracic aortic aneurysm and aortic dissection. Last evaluated: 2015-02-03. Review status: criteria provided, single submitter. Criteria: Ambry Variant Classification Scheme 2023. Collection method: clinical testing. Allele origin: germline.

Mayo Clinic Laboratories, Mayo Clinic
Classification: Benign. Last evaluated: 2014-02-05. Review status: criteria provided, single submitter. Criteria: ACMG Guidelines, 2015. Collection method: clinical testing. Allele origin: germline. Observed: 121 variant alleles.

Laboratory for Molecular Medicine, Mass General Brigham Personalized Medicine
Classification: Benign. Last evaluated: 2013-04-04. Review status: criteria provided, single submitter. Criteria: LMM Criteria. Collection method: clinical testing. Allele origin: germline. Observed: 10 variant alleles.
Comment: Val261Ala in exon 10 of MYLK: This variant is not expected to have clinical sign ificance because it has been identified in 43.3% (1910/4406) of African American chromosomes from a broad population by the NHLBI Exome Sequencing Project (dbSNP rs3796164).

Breakthrough Genomics
Classification: Likely benign. Review status: criteria provided, single submitter. Criteria: ACMG Guidelines, 2015. Collection method: not provided. Allele origin: germline. Inheritance: Autosomal recessive inheritance. Affected: yes.

PreventionGenetics, part of Exact Sciences
Classification: Benign. Review status: criteria provided, single submitter. Criteria: ACMG Guidelines, 2015. Collection method: clinical testing. Allele origin: germline.

Clinical Genetics DNA and cytogenetics Diagnostics Lab, Erasmus MC, Erasmus Medical Center
Classification: Benign. Review status: no assertion criteria provided. Collection method: clinical testing. Allele origin: germline. Affected: yes. Study: VKGL Data-share Consensus. Not counted in ClinVar's aggregate classification.

Genome Diagnostics Laboratory, Amsterdam University Medical Center
Classification: Benign. Review status: no assertion criteria provided. Collection method: clinical testing. Allele origin: germline. Affected: yes. Study: VKGL Data-share Consensus. Not counted in ClinVar's aggregate classification.

Joint Genome Diagnostic Labs from Nijmegen and Maastricht, Radboudumc and MUMC+
Classification: Benign. Review status: no assertion criteria provided. Collection method: clinical testing. Allele origin: germline. Affected: yes. Study: VKGL Data-share Consensus. Not counted in ClinVar's aggregate classification.